The following is an entry in ClinVar:

ClinVar aggregate classification (germline): Uncertain significance (1 of 4 stars; one submission).

Submission:

Labcorp Genetics (formerly Invitae), Labcorp
Classification: Uncertain significance. Last evaluated: 2025-09-04. Review status: criteria provided, single submitter. Criteria: Invitae Variant Classification Sherloc (09022015). Collection method: clinical testing. Allele origin: germline.
Comment: This sequence change replaces methionine, which is neutral and non-polar, with valine, which is neutral and non-polar, at codon 1034 of the CNOT1 protein (p.Met1034Val). This variant is present in population databases (rs553852115, gnomAD 0.006%). This variant has not been reported in the literature in individuals affected with CNOT1-related conditions. An algorithm developed to predict the effect of missense changes on protein structure and function (PolyPhen-2) suggests that this variant is likely to be tolerated. In summary, the available evidence is currently insufficient to determine the role of this variant in disease. Therefore, it has been classified as a Variant of Uncertain Significance.

NM_016284.5(CNOT1):c.3115A>G (p.Met1039Val)

Gene: CNOT1 (CCR4-NOT transcription complex subunit 1; minus strand). Cytogenetic location: 16q21.
Variant type: single nucleotide variant.
Coding change: c.3115A>G on transcript NM_016284.5 (MANE Select); coding-DNA position 3115, A replaced by G.
Protein change: p.Met1039Val; replaces methionine 1039 with valine.
Molecular consequence: missense variant. On other transcripts: non-coding transcript variant (1).
Genome position (GRCh38, 1-based): chr16:58,551,675, T>C on the plus strand (A>G on the coding strand, the complement: CNOT1 is on the minus strand). VCF-style: chr16-58551675-T-C. GRCh37 (hg19) VCF-style: chr16-58585579-T-C.
Other names: c.3100A>G, p.Met1034Val (NM_001265612.2); c.3115A>G, p.Met1039Val (NM_206999.3); short protein forms M1039V, M1034V.
Identifiers: ClinVar variation 4751055 (VCV004751055.1).
Genomic context (GRCh38, chr16:58,551,675, plus strand): 5'-CAGTTGGCCTGGTGACCGTAACCGTTTTAGCAACAGTGGTAGTTGTTGAGGTGGTTACCA[T>C]AGTGCTAACTTGACCAGCAAGAGGAGCTTTTGCTGGAACCTGGGCCTGAGCCTGGGCCTG-3'
Protein context (NP_057368.3, residues 1029-1049): KAPLAGQVST[Met1039Val]VTTSTTTTVA